The following is an entry in ClinVar:

NM_001367624.2(ZNF469):c.4955G>A (p.Gly1652Glu)

Gene: ZNF469 (zinc finger protein 469; plus strand). Cytogenetic location: 16q24.2.
Variant type: single nucleotide variant.
Coding change: c.4955G>A on transcript NM_001367624.2 (MANE Select); coding-DNA position 4955, G replaced by A.
Protein change: p.Gly1652Glu; replaces glycine 1652 with glutamic acid.
Molecular consequence: missense variant.
Genome position (GRCh38, 1-based): chr16:88,432,425, G>A. VCF-style: chr16-88432425-G-A. GRCh37 (hg19) VCF-style: chr16-88498833-G-A.
Other names: NM_001127464.1:c.4871G>A; short protein forms G1652E.
Identifiers: ClinVar variation 1743723 (VCV001743723.2), dbSNP rs754736361, ClinGen allele CA397094531.

ClinVar aggregate classification (germline): Uncertain significance (1 of 4 stars; one submission).

Conditions:
Cardiovascular phenotype. Identifiers: MedGen CN230736.

Allele frequency attached by ClinVar (database versions not stated): gnomAD exomes below 0.00001; TOPMed below 0.00001; gnomAD 0.00001.
gnomAD v4.1: 2 of 1,550,038 alleles (0.00013%); highest among the groups gnomAD compares: Non-Finnish European, 0.00017%; no homozygotes.

Submission:

Ambry Genetics
Classification: Uncertain significance for Cardiovascular phenotype. Last evaluated: 2022-07-06. Review status: criteria provided, single submitter. Criteria: Ambry Variant Classification Scheme 2023. Collection method: clinical testing. Allele origin: germline.
Comment: The p.G1624E variant (also known as c.4871G>A), located in coding exon 2 of the ZNF469 gene, results from a G to A substitution at nucleotide position 4871. The glycine at codon 1624 is replaced by glutamic acid, an amino acid with similar properties. This amino acid position is conserved. In addition, this alteration is predicted to be tolerated by in silico analysis. Since supporting evidence is limited at this time, the clinical significance of this alteration remains unclear.